The following is an entry in ClinVar:

ClinVar aggregate classification (germline): Pathogenic. Review status: criteria provided, multiple submitters, no conflicts (2 of 4 stars). 2 submissions from 2 submitters: Pathogenic (2). Last evaluated 2023-07-17.

Conditions:
DYRK1A-related intellectual disability syndrome (MRD7). Also called: DYRK1A Syndrome; Intellectual developmental disorder, autosomal dominant 7. Identifiers: Orphanet 464306, MedGen C5568143, MONDO:0013578, OMIM 614104.
Inborn genetic diseases. Identifiers: MedGen C0950123, MeSH D030342.

Submissions (2):

Victorian Clinical Genetics Services, Murdoch Childrens Research Institute
Classification: Pathogenic for DYRK1A-related intellectual disability syndrome. Last evaluated: 2023-07-17. Review status: criteria provided, single submitter. Criteria: ACMG Guidelines, 2015. Collection method: clinical testing. Allele origin: germline. Inheritance: Autosomal dominant inheritance. Affected: yes.
Comment: Based on the classification scheme VCGS_Germline_v1.3.4, this variant is classified as Pathogenic. Following criteria are met: 0102 - Loss of function is a known mechanism of disease in this gene and is associated with intellectual developmental disorder, autosomal dominant 7 (MIM#614104). (I) 0107 - This gene is associated with autosomal dominant disease. (I) 0201 - Variant is predicted to cause nonsense-mediated decay (NMD) and loss of protein (premature termination codon is located at least 54 nucleotides upstream of the final exon-exon junction). (SP) 0251 - This variant is heterozygous. (I) 0301 - Variant is absent from gnomAD (both v2 and v3). (SP) 0701 - Other NMD predicted variants comparable to the one identified in this case have very strong previous evidence for pathogenicity (DECIPHER). (SP) 0803 - This variant has limited previous evidence of pathogenicity in an unrelated individual. A nucleotide deletion at the same position resulting in the same protein outcome has been observed in one individual with a DYRK1A-related condition (DECIPHER). (SP) 0905 - No published segregation evidence has been identified for this variant. (I) 1007 - No published functional evidence has been identified for this variant. (I) 1208 - Inheritance information for this variant is not currently available in this individual. (I) Legend: (SP) - Supporting pathogenic, (I) - Information, (SB) - Supporting benign

Ambry Genetics
Classification: Pathogenic for Inborn genetic diseases. Last evaluated: 2017-09-18. Review status: criteria provided, single submitter. Criteria: Ambry Variant Classification Scheme 2023. Collection method: clinical testing. Allele origin: germline.
Comment: The p.Y415* pathogenic mutation (also known as c.1245C>G), located in coding exon 9 of the DYRK1A gene, results from a C to G substitution at nucleotide position 1245. This changes the amino acid from a tyrosine to a stop codon within coding exon 9. This alteration is expected to result in loss of function by premature protein truncation or nonsense-mediated mRNA decay. As such, this alteration is interpreted as a disease-causing mutation.

NM_001347721.2(DYRK1A):c.1218C>G (p.Tyr406Ter)

Gene: DYRK1A (dual specificity tyrosine phosphorylation regulated kinase 1A; plus strand). Cytogenetic location: 21q22.13.
Variant type: single nucleotide variant.
Coding change: c.1218C>G on transcript NM_001347721.2 (MANE Select); coding-DNA position 1218, C replaced by G.
Protein change: p.Tyr406Ter; replaces tyrosine 406 with a stop codon.
Molecular consequence: nonsense.
Genome position (GRCh38, 1-based): chr21:37,505,288, C>G. VCF-style: chr21-37505288-C-G. GRCh37 (hg19) VCF-style: chr21-38877591-C-G.
Other names: c.1218C>G, p.Tyr406Ter (NM_001347722.2, NM_130436.2); c.1131C>G, p.Tyr377Ter (NM_001347723.2); c.1245C>G, p.Tyr415Ter (NM_001396.5, NM_101395.2, NM_130438.2); c.1218C>G (NM_001347721.1); short protein forms Y406*, Y415*, Y377*.
Identifiers: ClinVar variation 1759288 (VCV001759288.3), dbSNP rs2518073518, ClinGen allele CA409937817.